The following is an entry in ClinVar:

ClinVar aggregate classification (germline): Uncertain significance (1 of 4 stars; one submission).

Conditions:
Cohen syndrome (COH1). Also called: Cutis verticis gyrata, retinitis pigmentosa, and sensorineural deafness; PEPPER SYNDROME. Identifiers: Orphanet 193, MedGen C0265223, MONDO:0008999, OMIM 216550.

Allele frequency attached by ClinVar (database versions not stated): gnomAD exomes 0.00001.
gnomAD v4.1: 3 of 1,614,116 alleles (0.00019%); highest among the groups gnomAD compares: Middle Eastern, 0.033%; no homozygotes.

Submission:

Labcorp Genetics (formerly Invitae), Labcorp
Classification: Uncertain significance for Cohen syndrome. Last evaluated: 2022-09-15. Review status: criteria provided, single submitter. Criteria: Invitae Variant Classification Sherloc (09022015). Collection method: clinical testing. Allele origin: germline.
Comment: This sequence change replaces lysine, which is basic and polar, with glutamic acid, which is acidic and polar, at codon 1911 of the VPS13B protein (p.Lys1911Glu). This variant is present in population databases (no rsID available, gnomAD 0.0009%). This variant has not been reported in the literature in individuals affected with VPS13B-related conditions. Advanced modeling of protein sequence and biophysical properties (such as structural, functional, and spatial information, amino acid conservation, physicochemical variation, residue mobility, and thermodynamic stability) performed at Invitae indicates that this missense variant is not expected to disrupt VPS13B protein function. In summary, the available evidence is currently insufficient to determine the role of this variant in disease. Therefore, it has been classified as a Variant of Uncertain Significance.

NM_152564.5(VPS13B):c.5656A>G (p.Lys1886Glu)

Gene: VPS13B (vacuolar protein sorting 13 homolog B; plus strand). Cytogenetic location: 8q22.2.
Variant type: single nucleotide variant.
Coding change: c.5656A>G on transcript NM_152564.5 (MANE Select); coding-DNA position 5656, A replaced by G.
Protein change: p.Lys1886Glu; replaces lysine 1886 with glutamic acid.
Molecular consequence: missense variant.
Genome position (GRCh38, 1-based): chr8:99,642,246, A>G. VCF-style: chr8-99642246-A-G. GRCh37 (hg19) VCF-style: chr8-100654474-A-G.
Other names: c.5731A>G, p.Lys1911Glu (NM_017890.5); short protein forms K1886E, K1911E.
Identifiers: ClinVar variation 1928885 (VCV001928885.2), dbSNP rs1450395032, ClinGen allele CA371873032.